The following is an entry in ClinVar:

NM_000059.4(BRCA2):c.2255dup (p.Asp752fs)

Gene: BRCA2 (BRCA2 DNA repair associated; plus strand). Cytogenetic location: 13q13.1.
Variant type: Duplication.
Coding change: c.2255dup on transcript NM_000059.4 (MANE Select); coding-DNA position 2255, one base duplicated (A; older notation c.2255dupA).
Protein change: p.Asp752fs; shifts the reading frame from aspartic acid 752.
Molecular consequence: frameshift variant.
Genome position (GRCh38, 1-based): chr13:32,336,610, A duplicated. VCF-style (leftmost placement, unchanged base first): chr13-32336609-G-GA. GRCh37 (hg19) VCF-style: chr13-32910746-G-GA.
Other names: 2481insT (2483insT); short protein forms D752fs.
Identifiers: ClinVar variation 266690 (VCV000266690.5), dbSNP rs886040417, ClinGen allele CA10589146.

ClinVar aggregate classification (germline): Pathogenic. Review status: reviewed by expert panel (3 of 4 stars). 2 submissions from 2 submitters: Pathogenic (1). 1 of the submissions does not count toward it. Last evaluated 2016-10-18.

Conditions:
Breast-ovarian cancer, familial, susceptibility to, 2 (BROVCA2). Also called: BRCA2 Hereditary Breast and Ovarian Cancer. Identifiers: Orphanet 145, MedGen C2675520, MONDO:0012933, OMIM 612555. Disease mechanism: loss of function.

Submissions (2):

Evidence-based Network for the Interpretation of Germline Mutant Alleles (ENIGMA)
Classification: Pathogenic for Breast-ovarian cancer, familial, susceptibility to, 2. Last evaluated: 2016-10-18. Review status: reviewed by expert panel. Criteria: ENIGMA BRCA1/2 Classification Criteria (2015). Collection method: curation. Allele origin: germline.
Comment: Variant allele predicted to encode a truncated non-functional protein.

Consortium of Investigators of Modifiers of BRCA1/2 (CIMBA), c/o University of Cambridge
Classification: Pathogenic for Breast-ovarian cancer, familial, susceptibility to, 2. Last evaluated: 2015-10-02. Review status: criteria provided, single submitter. Criteria: CIMBA Mutation Classification guidelines May 2016. Collection method: clinical testing. Allele origin: germline. Not counted in ClinVar's aggregate classification.